The following is an entry in ClinVar:

NM_003002.4(SDHD):c.474G>T (p.Lys158Asn)

Gene: SDHD (succinate dehydrogenase complex subunit D; plus strand). Cytogenetic location: 11q23.1.
Variant type: single nucleotide variant.
Coding change: c.474G>T on transcript NM_003002.4 (MANE Select); coding-DNA position 474, G replaced by T.
Protein change: p.Lys158Asn; replaces lysine 158 with asparagine.
Molecular consequence: missense variant. On other transcripts: 3 prime UTR variant (2), non-coding transcript variant (1).
Genome position (GRCh38, 1-based): chr11:112,094,964, G>T. VCF-style: chr11-112094964-G-T. GRCh37 (hg19) VCF-style: chr11-111965688-G-T.
Other names: c.*71G>T (NM_001276503.2); c.357G>T, p.Lys119Asn (NM_001276504.2); c.*172G>T (NM_001276506.2); short protein forms K119N, K158N.
Identifiers: ClinVar variation 1469865 (VCV001469865.8), dbSNP rs1377208267, ClinGen allele CA382619594.

ClinVar aggregate classification (germline): Uncertain significance (1 of 4 stars; one submission).

Conditions:
Carney-Stratakis syndrome. Also called: PARAGANGLIOMA AND GASTROINTESTINAL STROMAL TUMOR. Identifiers: Orphanet 97286, MedGen C1847319, MONDO:0011740, OMIM 606864.
Cowden syndrome 3 (CWS3). Identifiers: Orphanet 201, MedGen CN166604, MONDO:0014045.
Paragangliomas with sensorineural hearing loss. Identifiers: MedGen C1868633.
Pheochromocytoma. Also called: MAX-Related Hereditary Paraganglioma-Pheochromocytoma Syndrome. Identifiers: Orphanet 29072, MedGen C0031511, MONDO:0008233, OMIM 171300, HP:0002666.

Submission:

Labcorp Genetics (formerly Invitae), Labcorp
Classification: Uncertain significance for Carney-Stratakis syndrome; Paragangliomas with sensorineural hearing loss; Pheochromocytoma; Cowden syndrome 3. Last evaluated: 2021-06-28. Review status: criteria provided, single submitter. Criteria: Invitae Variant Classification Sherloc (09022015). Collection method: clinical testing. Allele origin: germline.
Comment: This sequence change replaces lysine with asparagine at codon 158 of the SDHD protein (p.Lys158Asn). The lysine residue is weakly conserved and there is a moderate physicochemical difference between lysine and asparagine. This variant is not present in population databases (ExAC no frequency). This variant has not been reported in the literature in individuals with SDHD-related conditions. Advanced modeling of protein sequence and biophysical properties (such as structural, functional, and spatial information, amino acid conservation, physicochemical variation, residue mobility, and thermodynamic stability) performed at Invitae indicates that this missense variant is not expected to disrupt SDHD protein function. In summary, the available evidence is currently insufficient to determine the role of this variant in disease. Therefore, it has been classified as a Variant of Uncertain Significance.